The following is an entry in ClinVar:

NM_003482.4(KMT2D):c.5007C>T (p.Pro1669=)

Gene: KMT2D (lysine methyltransferase 2D; minus strand). Cytogenetic location: 12q13.12.
Variant type: single nucleotide variant.
Coding change: c.5007C>T on transcript NM_003482.4 (MANE Select); coding-DNA position 5007, C replaced by T.
Protein change: p.Pro1669=; no amino-acid change (proline 1669 retained).
Molecular consequence: synonymous variant.
Genome position (GRCh38, 1-based): chr12:49,044,479, G>A on the plus strand (C>T on the coding strand, the complement: KMT2D is on the minus strand). VCF-style: chr12-49044479-G-A. GRCh37 (hg19) VCF-style: chr12-49438262-G-A.
Identifiers: ClinVar variation 755630 (VCV000755630.35), dbSNP rs200225974, ClinGen allele CA6547657.

ClinVar aggregate classification (germline): Likely benign. Review status: criteria provided, multiple submitters, no conflicts (2 of 4 stars). 5 submissions from 5 submitters: Likely benign (5). Last evaluated 2026-08-01.

Conditions:
Kabuki syndrome. Also called: NIIKAWA-KUROKI SYNDROME; Kabuki make-up syndrome. Identifiers: Orphanet 2322, MedGen C0796004, MONDO:0016512.
KMT2D-related disorder. Also called: KMT2D-Related Disorders.

Allele frequency attached by ClinVar (database versions not stated): gnomAD 0.00004 and 0.00005; gnomAD exomes 0.00006 and 0.00007; ExAC 0.00008; TOPMed 0.00008; 1000 Genomes Project 30x 0.00016; 1000 Genomes Project 0.00020.
gnomAD v4.1: 90 of 1,613,888 alleles (0.0056%); highest among the groups gnomAD compares: Admixed American, 0.03%; no homozygotes.

Submissions (5):

CeGaT Center for Human Genetics Tuebingen
Classification: Likely benign. Last evaluated: 2026-08-01. Review status: criteria provided, single submitter. Criteria: CeGaT Center For Human Genetics Tuebingen Variant Classification Criteria Version 2. Collection method: clinical testing. Allele origin: germline. Affected: yes. Observed: 4 variant alleles.
Comment: KMT2D: BP4, BP7

Labcorp Genetics (formerly Invitae), Labcorp
Classification: Likely benign for Kabuki syndrome. Last evaluated: 2026-01-02. Review status: criteria provided, single submitter. Criteria: Invitae Variant Classification Sherloc (09022015). Collection method: clinical testing. Allele origin: germline.

PreventionGenetics, part of Exact Sciences
Classification: Likely benign for KMT2D-related condition. Last evaluated: 2024-10-15. Review status: criteria provided, single submitter. Criteria: ACMG Guidelines, 2015. Collection method: clinical testing. Allele origin: germline.
Comment: This variant is classified as likely benign based on ACMG/AMP sequence variant interpretation guidelines (Richards et al. 2015 PMID: 25741868, with internal and published modifications).

Blueprint Genetics
Classification: Likely benign. Last evaluated: 2023-12-18. Review status: criteria provided, single submitter. Criteria: ACMG Guidelines, 2015. Collection method: clinical testing. Allele origin: germline.

Genetic Services Laboratory, University of Chicago
Classification: Likely benign. Last evaluated: 2017-09-14. Review status: criteria provided, single submitter. Criteria: ACMG Guidelines, 2015. Collection method: clinical testing. Allele origin: germline. Affected: no.